The following is an entry in ClinVar:

NM_007118.4(TRIO):c.5915A>G (p.Tyr1972Cys)

Gene: TRIO (trio Rho guanine nucleotide exchange factor; plus strand). Cytogenetic location: 5p15.2.
Variant type: single nucleotide variant.
Coding change: c.5915A>G on transcript NM_007118.4 (MANE Select); coding-DNA position 5915, A replaced by G.
Protein change: p.Tyr1972Cys; replaces tyrosine 1972 with cysteine.
Molecular consequence: missense variant. On other transcripts: non-coding transcript variant (1).
Genome position (GRCh38, 1-based): chr5:14,472,594, A>G. VCF-style: chr5-14472594-A-G. GRCh37 (hg19) VCF-style: chr5-14472703-A-G.
Other names: short protein forms Y1972C.
Identifiers: ClinVar variation 4057120 (VCV004057120.2).

ClinVar aggregate classification (germline): Uncertain significance (1 of 4 stars; one submission).

gnomAD v4.1: 3 of 1,614,030 alleles (0.00019%); highest among the groups gnomAD compares: Non-Finnish European, 0.00025%; no homozygotes.

Submission:

GeneDx
Classification: Uncertain significance. Last evaluated: 2025-11-04. Review status: criteria provided, single submitter. Criteria: GeneDx Variant Classification Process June 2021. Collection method: clinical testing. Allele origin: germline.
Comment: Not observed at significant frequency in large population cohorts (gnomAD); In silico analysis supports that this missense variant has a deleterious effect on protein structure/function; Has not been previously published as pathogenic or benign to our knowledge